The following is an entry in ClinVar:

NM_004329.3(BMPR1A):c.1068C>T (p.Pro356=)

Gene: BMPR1A (bone morphogenetic protein receptor type 1A; plus strand). Cytogenetic location: 10q23.2.
Variant type: single nucleotide variant.
Coding change: c.1068C>T on transcript NM_004329.3 (MANE Select); coding-DNA position 1068, C replaced by T.
Protein change: p.Pro356=; no amino-acid change (proline 356 retained).
Molecular consequence: synonymous variant.
Genome position (GRCh38, 1-based): chr10:86,919,371, C>T. VCF-style: chr10-86919371-C-T. GRCh37 (hg19) VCF-style: chr10-88679128-C-T.
Identifiers: ClinVar variation 230618 (VCV000230618.91), dbSNP rs759520915, ClinGen allele CA5585648.

ClinVar aggregate classification (germline): Conflicting classifications of pathogenicity. Review status: criteria provided, conflicting classifications (1 of 4 stars). 9 submissions from 9 submitters: Uncertain significance (1); Benign (1); Likely benign (7). Last evaluated 2026-04-01.

Conditions:
Juvenile polyposis syndrome (JPS). Identifiers: Orphanet 2929, MedGen C0345893, MONDO:0017380, OMIM 174900.
Hereditary cancer-predisposing syndrome. Also called: Neoplastic Syndromes, Hereditary; Hereditary Cancer Syndrome; Tumor predisposition; Hereditary neoplastic syndrome. Identifiers: Orphanet 140162, MedGen C0027672, MeSH D009386, MONDO:0015356.
Generalized juvenile polyposis/juvenile polyposis coli. Also called: Juvenile polyposis coli. Identifiers: Orphanet 329971, MedGen C1868081, MONDO:0008276.

Allele frequency attached by ClinVar (database versions not stated): ExAC 0.00001; gnomAD exomes 0.00002 and 0.00004; TOPMed 0.00002.
gnomAD v4.1: 63 of 1,612,960 alleles (0.0039%); highest among the groups gnomAD compares: Non-Finnish European, 0.0048%; no homozygotes.

Submissions (9):

CeGaT Center for Human Genetics Tuebingen
Classification: Likely benign. Last evaluated: 2026-04-01. Review status: criteria provided, single submitter. Criteria: CeGaT Center For Human Genetics Tuebingen Variant Classification Criteria Version 2. Collection method: clinical testing. Allele origin: germline. Affected: yes. Observed: 3 variant alleles.
Comment: BMPR1A: BP4, BP7

Labcorp Genetics (formerly Invitae), Labcorp
Classification: Likely benign for Juvenile polyposis syndrome. Last evaluated: 2026-01-14. Review status: criteria provided, single submitter. Criteria: Invitae Variant Classification Sherloc (09022015). Collection method: clinical testing. Allele origin: germline.

Myriad Genetics, Inc.
Classification: Benign for Juvenile polyposis syndrome. Last evaluated: 2024-08-06. Review status: criteria provided, single submitter. Criteria: Myriad Autosomal Dominant, Autosomal Recessive and X-Linked Classification Criteria (2023). Collection method: clinical testing. Allele origin: unknown.
Comment: This variant is considered benign. This variant is a silent/synonymous amino acid change and it is not expected to impact splicing.

All of Us Research Program, National Institutes of Health
Classification: Likely benign for Juvenile polyposis syndrome. Last evaluated: 2023-12-18. Review status: criteria provided, single submitter. Criteria: ACMG Guidelines, 2015. Collection method: clinical testing. Allele origin: germline. Inheritance: Autosomal dominant inheritance. Observed: 7 variant alleles, 7 heterozygotes.
Comment: This study involves interpretation of variants in research participants for the purpose of population health screening. Participant phenotype was not available at the time of variant classification. Additional details can be found in publication PMID: 35346344, PMCID: PMC8962531

Quest Diagnostics Nichols Institute San Juan Capistrano
Classification: Likely benign. Last evaluated: 2023-06-07. Review status: criteria provided, single submitter. Criteria: Quest Diagnostics criteria. Collection method: clinical testing. Allele origin: unknown.

GeneDx
Classification: Likely benign. Last evaluated: 2021-05-10. Review status: criteria provided, single submitter. Criteria: GeneDx Variant Classification Process June 2021. Collection method: clinical testing. Allele origin: germline. Affected: yes.

Illumina Laboratory Services, Illumina
Classification: Uncertain significance for Juvenile polyposis syndrome. Last evaluated: 2018-01-13. Review status: criteria provided, single submitter. Criteria: ICSL Variant Classification Criteria 13 December 2019. Collection method: clinical testing. Allele origin: germline.

Color Diagnostics, LLC DBA Color Health
Classification: Likely benign for Hereditary cancer-predisposing syndrome. Last evaluated: 2016-08-01. Review status: criteria provided, single submitter. Criteria: ACMG Guidelines, 2015. Collection method: clinical testing. Allele origin: germline.

Ambry Genetics
Classification: Likely benign for Hereditary cancer-predisposing syndrome. Last evaluated: 2015-02-26. Review status: criteria provided, single submitter. Criteria: Ambry Variant Classification Scheme 2023. Collection method: clinical testing. Allele origin: germline.